The following is an entry in ClinVar:

ClinVar aggregate classification (germline): Pathogenic (1 of 4 stars; one submission).

Conditions:
Alport syndrome. Also called: Hemorrhagic familial nephritis; Hemorrhagic hereditary nephritis; Congenital hereditary hematuria. Identifiers: Orphanet 63, MedGen C1567741, MONDO:0018965.

Submission:

Myriad Genetics, Inc.
Classification: Pathogenic for Alport syndrome. Last evaluated: 2026-04-01. Review status: criteria provided, single submitter. Criteria: Myriad Autosomal Dominant, Autosomal Recessive and X-Linked Classification Criteria (2023). Collection method: clinical testing. Allele origin: unknown.
Comment: NM_000091.4(COL4A3):c.1460delG(G487Vfs*11) is expected to be pathogenic in the context of Alport syndrome, COL4A3-related. This variant is predicted to lead to an abnormal or absent protein product due to the creation of a premature termination codon in COL4A3, a gene where loss-of-function variants are known to be pathogenic. Please note: this variant was assessed in the context of healthy population screening.

NM_000091.5(COL4A3):c.1460del (p.Gly487fs)

Genes: COL4A3 (collagen type IV alpha 3 chain; plus strand), MFF-DT (MFF divergent transcript; minus strand). Cytogenetic location: 2q36.3.
Variant type: Deletion.
Coding change: c.1460del on transcript NM_000091.5 (MANE Select); coding-DNA position 1460, one base deleted (G; older notation c.1460delG).
Protein change: p.Gly487fs; shifts the reading frame from glycine 487.
Molecular consequence: frameshift variant.
Genome position (GRCh38, 1-based): chr2:227,267,044, G deleted; the last of 2 consecutive G bases (chr2:227,267,043-227,267,044); deleting either gives the same sequence. VCF-style (leftmost placement, unchanged base first): chr2-227267042-CG-C. GRCh37 (hg19) VCF-style: chr2-228131758-CG-C.
Other names: short protein forms G487fs.
Identifiers: ClinVar variation 5015754 (VCV005015754.1).